The following is an entry in ClinVar:

NM_182914.3(SYNE2):c.3550G>C (p.Val1184Leu)

Gene: SYNE2 (spectrin repeat containing nuclear envelope protein 2; plus strand). Cytogenetic location: 14q23.2.
Variant type: single nucleotide variant.
Coding change: c.3550G>C on transcript NM_182914.3 (MANE Select); coding-DNA position 3550, G replaced by C.
Protein change: p.Val1184Leu; replaces valine 1184 with leucine.
Molecular consequence: missense variant.
Genome position (GRCh38, 1-based): chr14:64,000,631, G>C. VCF-style: chr14-64000631-G-C. GRCh37 (hg19) VCF-style: chr14-64467349-G-C.
Other names: c.3550G>C, p.Val1184Leu (NM_015180.6); c.3550G>C (NM_182914.2); short protein forms V1184L.
Identifiers: ClinVar variation 1716080 (VCV001716080.7), dbSNP rs377084463, ClinGen allele CA389992585.

ClinVar aggregate classification (germline): Uncertain significance. Review status: criteria provided, multiple submitters, no conflicts (2 of 4 stars). 2 submissions from 2 submitters: Uncertain significance (2). Last evaluated 2023-07-17.

Conditions:
Emery-Dreifuss muscular dystrophy 5, autosomal dominant (EDMD5). Also called: EMERY-DREIFUSS MUSCULAR DYSTROPHY 5. Identifiers: Orphanet 261, MedGen C2751805, MONDO:0013072, OMIM 612999.

Submissions (2):

Revvity Omics, Revvity
Classification: Uncertain significance for Emery-Dreifuss muscular dystrophy 5, autosomal dominant. Last evaluated: 2023-07-17. Review status: criteria provided, single submitter. Criteria: ACMG Guidelines, 2015. Collection method: clinical testing. Allele origin: germline.

Labcorp Genetics (formerly Invitae), Labcorp
Classification: Uncertain significance for Emery-Dreifuss muscular dystrophy 5, autosomal dominant. Last evaluated: 2022-08-10. Review status: criteria provided, single submitter. Criteria: Invitae Variant Classification Sherloc (09022015). Collection method: clinical testing. Allele origin: germline.
Comment: This variant has not been reported in the literature in individuals affected with SYNE2-related conditions. In summary, the available evidence is currently insufficient to determine the role of this variant in disease. Therefore, it has been classified as a Variant of Uncertain Significance. Algorithms developed to predict the effect of missense changes on protein structure and function (SIFT, PolyPhen-2, Align-GVGD) all suggest that this variant is likely to be tolerated. This variant is not present in population databases (gnomAD no frequency). This sequence change replaces valine, which is neutral and non-polar, with leucine, which is neutral and non-polar, at codon 1184 of the SYNE2 protein (p.Val1184Leu).